The following is an entry in ClinVar:

ClinVar aggregate classification (germline): Likely benign. Review status: criteria provided, single submitter (1 of 4 stars). 2 submissions from 2 submitters: Likely benign (1). 1 of the submissions does not count toward it. Last evaluated 2024-09-02.

Conditions:
GAS2L2-related disorder. Also called: GAS2L2-related condition.

Allele frequency attached by ClinVar (database versions not stated): gnomAD exomes 0.00049; ExAC 0.00190; gnomAD 0.00512; 1000 Genomes Project 0.00539; 1000 Genomes Project 30x 0.00562; TOPMed 0.00591; ESP Exome Variant Server 0.00661.

Submissions (2):

Blueprint Genetics
Classification: Likely benign. Last evaluated: 2024-09-02. Review status: criteria provided, single submitter. Criteria: ACMG Guidelines, 2015. Collection method: clinical testing. Allele origin: germline.

PreventionGenetics, part of Exact Sciences
Classification: Benign for GAS2L2-related condition. Last evaluated: 2019-11-06. Review status: no assertion criteria provided. Collection method: clinical testing. Allele origin: germline. Not counted in ClinVar's aggregate classification.
Comment: This variant is classified as benign based on ACMG/AMP sequence variant interpretation guidelines (Richards et al. 2015 PMID: 25741868, with internal and published modifications).

NM_139285.4(GAS2L2):c.1378C>T (p.Arg460Cys)

Gene: GAS2L2 (growth arrest specific 2 like 2; minus strand). Cytogenetic location: 17q12.
Variant type: single nucleotide variant.
Coding change: c.1378C>T on transcript NM_139285.4 (MANE Select); coding-DNA position 1378, C replaced by T.
Protein change: p.Arg460Cys; replaces arginine 460 with cysteine.
Molecular consequence: missense variant.
Genome position (GRCh38, 1-based): chr17:35,746,119, G>A on the plus strand (C>T on the coding strand, the complement: GAS2L2 is on the minus strand). VCF-style: chr17-35746119-G-A. GRCh37 (hg19) VCF-style: chr17-34073138-G-A.
Other names: short protein forms R460C.
Identifiers: ClinVar variation 3040709 (VCV003040709.3), dbSNP rs80033981, ClinGen allele CA8506083.
Genomic context (GRCh38, chr17:35,746,119, plus strand): 5'-CCTTGGCCTCATCCCGGAGTGGCAGCCTGAGGCCCAGGCACTCGGCTGGGCCAAAGGAAC[G>A]AGGCAGGGGAGATGGTCCTCTTGCTGATATCCCTTTGGTGGTGGCCTCAATGGCTCGGAG-3'
Protein context (NP_644814.1, residues 450-470): ISARGPSPLP[Arg460Cys]SFGPAECLGL